The following is an entry in ClinVar:

ClinVar aggregate classification (germline): Uncertain significance (1 of 4 stars; one submission).

Conditions:
Dilated cardiomyopathy 1D. Identifiers: Orphanet 154, Orphanet 54260, MedGen C1832243, MONDO:0011095, OMIM 601494.
Hypertrophic cardiomyopathy 2. Also called: TNNT2-Related Familial Hypertrophic Cardiomyopathy. Identifiers: MedGen C1861864, MONDO:0007266, OMIM 115195.
Cardiomyopathy, familial restrictive, 3. Identifiers: Orphanet 75249, MedGen C2676271, MONDO:0012900, OMIM 612422.

Allele frequency attached by ClinVar (database versions not stated): gnomAD exomes 0.00001.

Submission:

Labcorp Genetics (formerly Invitae), Labcorp
Classification: Uncertain significance for Cardiomyopathy, familial restrictive, 3; Hypertrophic cardiomyopathy 2; Dilated cardiomyopathy 1D. Last evaluated: 2016-12-08. Review status: criteria provided, single submitter. Criteria: Invitae Variant Classification Sherloc (09022015). Collection method: clinical testing. Allele origin: germline.
Comment: This sequence change replaces lysine with threonine at codon 288 of the TNNT2 protein (p.Lys288Thr). The lysine residue is weakly conserved and there is a moderate physicochemical difference between lysine and threonine. This variant is not present in population databases (ExAC no frequency) and has not been reported in the literature in individuals with a TNNT2-related disease. Algorithms developed to predict the effect of missense changes on protein structure and function do not agree on the potential impact of this missense change (SIFT: "Tolerated"; PolyPhen-2: "Probably Damaging"; Align-GVGD: "Class C0"). In summary, this variant is a novel missense change with uncertain impact on protein function. It has been classified as a Variant of Uncertain Significance.

NM_001276345.2(TNNT2):c.893A>C (p.Lys298Thr)

Gene: TNNT2 (troponin T2, cardiac type; minus strand). Cytogenetic location: 1q32.1.
Variant type: single nucleotide variant.
Coding change: c.893A>C on transcript NM_001276345.2 (MANE Select); coding-DNA position 893, A replaced by C.
Protein change: p.Lys298Thr; replaces lysine 298 with threonine.
Molecular consequence: missense variant.
Genome position (GRCh38, 1-based): chr1:201,359,214, T>G on the plus strand (A>C on the coding strand, the complement: TNNT2 is on the minus strand). VCF-style: chr1-201359214-T-G. GRCh37 (hg19) VCF-style: chr1-201328342-T-G.
Other names: c.884A>C, p.Lys295Thr (NM_000364.4); c.863A>C, p.Lys288Thr (NM_001001430.3, NM_001276347.2); c.854A>C, p.Lys285Thr (NM_001001431.3); c.845A>C, p.Lys282Thr (NM_001001432.3); c.764A>C, p.Lys255Thr (NM_001276346.2); short protein forms K288T, K295T, K282T, K255T, K285T, K298T.
Identifiers: ClinVar variation 404397 (VCV000404397.1), dbSNP rs770794082, ClinGen allele CA16609965.